The following is an entry in ClinVar:

NM_000782.5(CYP24A1):c.1518A>C (p.Glu506Asp)

Gene: CYP24A1 (cytochrome P450 family 24 subfamily A member 1; minus strand). Cytogenetic location: 20q13.2.
Variant type: single nucleotide variant.
Coding change: c.1518A>C on transcript NM_000782.5 (MANE Select); coding-DNA position 1518, A replaced by C.
Protein change: p.Glu506Asp; replaces glutamic acid 506 with aspartic acid.
Molecular consequence: missense variant.
Genome position (GRCh38, 1-based): chr20:54,157,206, T>G on the plus strand (A>C on the coding strand, the complement: CYP24A1 is on the minus strand). VCF-style: chr20-54157206-T-G. GRCh37 (hg19) VCF-style: chr20-52773745-T-G.
Other names: c.1320A>C, p.Glu440Asp (NM_001128915.2); short protein forms E506D, E440D.
Identifiers: ClinVar variation 1446233 (VCV001446233.8), dbSNP rs775698372, ClinGen allele CA9915747.

ClinVar aggregate classification (germline): Uncertain significance (1 of 4 stars; one submission).

gnomAD v4.1: 12 of 1,609,544 alleles (0.00075%); highest among the groups gnomAD compares: Middle Eastern, 0.017%; no homozygotes.

Submission:

Labcorp Genetics (formerly Invitae), Labcorp
Classification: Uncertain significance. Last evaluated: 2022-08-16. Review status: criteria provided, single submitter. Criteria: Invitae Variant Classification Sherloc (09022015). Collection method: clinical testing. Allele origin: germline.
Comment: In summary, the available evidence is currently insufficient to determine the role of this variant in disease. Therefore, it has been classified as a Variant of Uncertain Significance. Advanced modeling of protein sequence and biophysical properties (such as structural, functional, and spatial information, amino acid conservation, physicochemical variation, residue mobility, and thermodynamic stability) performed at Invitae indicates that this missense variant is not expected to disrupt CYP24A1 protein function. ClinVar contains an entry for this variant (Variation ID: 1446233). This variant has not been reported in the literature in individuals affected with CYP24A1-related conditions. This variant is present in population databases (rs775698372, gnomAD 0.003%). This sequence change replaces glutamic acid, which is acidic and polar, with aspartic acid, which is acidic and polar, at codon 506 of the CYP24A1 protein (p.Glu506Asp).